The following is an entry in ClinVar:

ClinVar aggregate classification (germline): Uncertain significance (1 of 4 stars; one submission).

Allele frequency attached by ClinVar (database versions not stated): gnomAD exomes below 0.00001.
gnomAD v4.1: 1 of 1,605,318 alleles (0.000062%); highest among the groups gnomAD compares: Non-Finnish European, 0.000085%; no homozygotes.

Submission:

Labcorp Genetics (formerly Invitae), Labcorp
Classification: Uncertain significance. Last evaluated: 2021-08-10. Review status: criteria provided, single submitter. Criteria: Invitae Variant Classification Sherloc (09022015). Collection method: clinical testing. Allele origin: germline.
Comment: In summary, the available evidence is currently insufficient to determine the role of this variant in disease. Therefore, it has been classified as a Variant of Uncertain Significance. Algorithms developed to predict the effect of sequence changes on RNA splicing suggest that this variant may create or strengthen a splice site. Algorithms developed to predict the effect of missense changes on protein structure and function (SIFT, PolyPhen-2, Align-GVGD) all suggest that this variant is likely to be disruptive. This variant has not been reported in the literature in individuals affected with ASAH1-related conditions. This variant is not present in population databases (ExAC no frequency). This sequence change replaces proline with alanine at codon 58 of the ASAH1 protein (p.Pro58Ala). The proline residue is highly conserved and there is a small physicochemical difference between proline and alanine.

NM_177924.5(ASAH1):c.172C>G (p.Pro58Ala)

Gene: ASAH1 (N-acylsphingosine amidohydrolase 1; minus strand). Cytogenetic location: 8p22.
Variant type: single nucleotide variant.
Coding change: c.172C>G on transcript NM_177924.5 (MANE Select); coding-DNA position 172, C replaced by G.
Protein change: p.Pro58Ala; replaces proline 58 with alanine.
Molecular consequence: missense variant. On other transcripts: 5 prime UTR variant (1).
Genome position (GRCh38, 1-based): chr8:18,071,344, G>C on the plus strand (C>G on the coding strand, the complement: ASAH1 is on the minus strand). VCF-style: chr8-18071344-G-C. GRCh37 (hg19) VCF-style: chr8-17928853-G-C.
Other names: c.241C>G, p.Pro81Ala (NM_001127505.3); c.-24C>G (NM_001363743.2); c.220C>G, p.Pro74Ala (NM_004315.6); short protein forms P58A, P81A, P74A.
Identifiers: ClinVar variation 1373893 (VCV001373893.6), dbSNP rs1232602989, ClinGen allele CA370433973.